The following is an entry in ClinVar:

NM_004615.4(TSPAN7):c.515C>A (p.Pro172His)

Gene: TSPAN7 (tetraspanin 7; plus strand). Cytogenetic location: Xp11.4.
Variant type: single nucleotide variant.
Coding change: c.515C>A on transcript NM_004615.4 (MANE Select); coding-DNA position 515, C replaced by A.
Protein change: p.Pro172His; replaces proline 172 with histidine.
Molecular consequence: missense variant.
Genome position (GRCh38, 1-based): chrX:38,675,778, C>A. VCF-style: chrX-38675778-C-A. GRCh37 (hg19) VCF-style: chrX-38535032-C-A.
Other names: short protein forms P172H.
Identifiers: ClinVar variation 11630 (VCV000011630.14), dbSNP rs104894951, ClinGen allele CA121626.
Genomic context (GRCh38, chrX:38,675,778, plus strand): 5'-GTGTGCAGAACTACACCAACTGGAGCACCAGCCCCTACTTCCTGGAGCATGGCATCCCCC[C>A]CAGCTGCTGCATGAACGAAACTGATTGTAATCCCCAGGATCTACACAATCTGACTGTGGC-3'
Protein context (NP_004606.2, residues 162-182): SPYFLEHGIP[Pro172His]SCCMNETDCN

ClinVar aggregate classification (germline): Conflicting classifications of pathogenicity. Review status: criteria provided, conflicting classifications (1 of 4 stars). 8 submissions from 8 submitters: Uncertain significance (2); Likely benign (3). 3 of the submissions do not count toward it. Last evaluated 2024-10-09.

Conditions:
History of neurodevelopmental disorder. Identifiers: MedGen C2711754.
Intellectual developmental disorder, X-linked 58. Also called: Intellectual disability, X-linked 58. Identifiers: Orphanet 777, MedGen C1846174, MONDO:0010266, OMIM 300210.

Allele frequency attached by ClinVar (database versions not stated): gnomAD 0.00119 and 0.00126; TOPMed 0.00108.
gnomAD v4.1: 2,005 of 1,209,067 alleles (0.17%); highest among the groups gnomAD compares: Non-Finnish European, 0.21%; 2 homozygotes.

Submissions (8):

Blueprint Genetics
Classification: Likely benign. Last evaluated: 2024-10-09. Review status: criteria provided, single submitter. Criteria: ACMG Guidelines, 2015. Collection method: clinical testing. Allele origin: germline.

Mendelics
Classification: Uncertain significance for Intellectual developmental disorder, X-linked 58. Last evaluated: 2019-05-28. Review status: criteria provided, single submitter. Criteria: Mendelics Assertion Criteria 2017. Collection method: clinical testing. Allele origin: unknown.

Labcorp Genetics (formerly Invitae), Labcorp
Classification: Likely benign. Last evaluated: 2018-12-21. Review status: criteria provided, single submitter. Criteria: Invitae Variant Classification Sherloc (09022015). Collection method: clinical testing. Allele origin: germline.

Equipe Genetique des Anomalies du Developpement, Université de Bourgogne
Classification: Likely benign for Intellectual developmental disorder, X-linked 58. Last evaluated: 2018-11-21. Review status: criteria provided, single submitter. Criteria: ACMG Guidelines, 2015. Collection method: clinical testing. Allele origin: unknown.

Ambry Genetics
Classification: Uncertain significance for History of neurodevelopmental disorder. Last evaluated: 2012-10-12. Review status: criteria provided, single submitter. Criteria: Ambry Autosomal Dominant and X-Linked criteria (10/2015). Collection method: clinical testing. Allele origin: germline. Observed: 1 variant allele.
Comment: This variant has not been detected in conjunction with a pathogenic mutation to date. Based on data from the NHLBI Exome Sequencing Project (ESP), the A-allele has an overall frequency of approximately 0.05% (1/1997) in male alleles studied. The A-allele was observed in 0.07% (1/1475) of European American male alleles but was absent in 522 African American male alleles and was not observed in the homozygous state in 3381 female alleles studied. Furthermore, this variant was not detected in a total of 420 normal X chromosomes in all of the published studies. This amino acid position is not conserved on species alignment. This alteration is predicted to be benign with a score of 0.327 (sensitivity: 0.86; specificity: 0.76)This alteration is predicted to be tolerated with a score of 0.190 (conservation: 1.91)

OMIM
Classification: Uncertain significance for RECLASSIFIED - VARIANT OF UNKNOWN SIGNIFICANCE. Last evaluated: 2004-02-01. Review status: no assertion criteria provided. Collection method: literature only. Allele origin: germline. Not counted in ClinVar's aggregate classification.

Clinical Genetics DNA and cytogenetics Diagnostics Lab, Erasmus MC, Erasmus Medical Center
Classification: Likely benign. Review status: no assertion criteria provided. Collection method: clinical testing. Allele origin: germline. Affected: yes. Study: VKGL Data-share Consensus. Not counted in ClinVar's aggregate classification.

Genome Diagnostics Laboratory, University Medical Center Utrecht
Classification: Likely benign. Review status: no assertion criteria provided. Collection method: clinical testing. Allele origin: germline. Affected: yes. Study: VKGL Data-share Consensus. Not counted in ClinVar's aggregate classification.

Literature cited by the submitters: Hamosh, A. Personal Communication. 2024. Baltimore, Md. (cited by OMIM); PubMed 10655063 (cited by OMIM); PubMed 12376945 (cited by OMIM); PubMed 14735593 (cited by OMIM).